The following is an entry in ClinVar:

NM_001852.4(COL9A2):c.1850C>G (p.Pro617Arg)

Gene: COL9A2 (collagen type IX alpha 2 chain; minus strand). Cytogenetic location: 1p34.2.
Variant type: single nucleotide variant.
Coding change: c.1850C>G on transcript NM_001852.4 (MANE Select); coding-DNA position 1850, C replaced by G.
Protein change: p.Pro617Arg; replaces proline 617 with arginine.
Molecular consequence: missense variant.
Genome position (GRCh38, 1-based): chr1:40,301,832, G>C on the plus strand (C>G on the coding strand, the complement: COL9A2 is on the minus strand). VCF-style: chr1-40301832-G-C. GRCh37 (hg19) VCF-style: chr1-40767504-G-C.
Other names: short protein forms P617R.
Identifiers: ClinVar variation 1900855 (VCV001900855.5), dbSNP rs2124035240, ClinGen allele CA339874596.

ClinVar aggregate classification (germline): Uncertain significance (1 of 4 stars; one submission).

Allele frequency attached by ClinVar (database versions not stated): gnomAD exomes below 0.00001.
gnomAD v4.1: 1 of 1,614,140 alleles (0.000062%); highest among the groups gnomAD compares: Non-Finnish European, 0.000085%; no homozygotes.

Submission:

Labcorp Genetics (formerly Invitae), Labcorp
Classification: Uncertain significance. Last evaluated: 2024-07-17. Review status: criteria provided, single submitter. Criteria: Invitae Variant Classification Sherloc (09022015). Collection method: clinical testing. Allele origin: germline.
Comment: This sequence change replaces proline, which is neutral and non-polar, with arginine, which is basic and polar, at codon 617 of the COL9A2 protein (p.Pro617Arg). This variant is not present in population databases (gnomAD no frequency). This variant has not been reported in the literature in individuals affected with COL9A2-related conditions. ClinVar contains an entry for this variant (Variation ID: 1900855). Advanced modeling of protein sequence and biophysical properties (such as structural, functional, and spatial information, amino acid conservation, physicochemical variation, residue mobility, and thermodynamic stability) performed at Invitae indicates that this missense variant is not expected to disrupt COL9A2 protein function with a negative predictive value of 95%. In summary, the available evidence is currently insufficient to determine the role of this variant in disease. Therefore, it has been classified as a Variant of Uncertain Significance.